The following is an entry in ClinVar:

ClinVar aggregate classification (germline): Likely pathogenic (1 of 4 stars; one submission).

Conditions:
Osteogenesis imperfecta (OI). Identifiers: Orphanet 666, MedGen C0029434, MeSH D010013, MONDO:0019019.

Submission:

Genetics Department, Polish Mother's Memorial Hospital Research Institute
Classification: Likely pathogenic for Osteogenesis imperfecta. Last evaluated: 2020-04-06. Review status: criteria provided, single submitter. Criteria: ACMG Guidelines, 2015. Collection method: research. Allele origin: de novo. Affected: yes. Observed: 1 variant allele.
Comment: Similar varaint c.1002+5G>A was previously described in patient with Osteogenesis imperfecta type IV.

NM_000088.4(COL1A1):c.1002+5G>T

Gene: COL1A1 (collagen type I alpha 1 chain; minus strand). Cytogenetic location: 17q21.33.
Variant type: single nucleotide variant.
Coding change: c.1002+5G>T on transcript NM_000088.4 (MANE Select); 5 bases into the intron after coding-DNA position 1002, G replaced by T.
Molecular consequence: intron variant.
Genome position (GRCh38, 1-based): chr17:50,196,150, C>A on the plus strand (G>T on the coding strand, the complement: COL1A1 is on the minus strand). VCF-style: chr17-50196150-C-A. GRCh37 (hg19) VCF-style: chr17-48273511-C-A.
Identifiers: ClinVar variation 870109 (VCV000870109.2), dbSNP rs1907566530, ClinGen allele CA1139665709.